The following is an entry in ClinVar:

ClinVar aggregate classification (germline): Pathogenic (1 of 4 stars; one submission).

Conditions:
Spinocerebellar ataxia, autosomal recessive, with axonal neuropathy 2 (SCAN2). Also called: ATAXIA-OCULOMOTOR APRAXIA 2; Ataxia with Oculomotor Apraxia Type 2; Ataxia-ocular apraxia-2; Ataxia with Oculomotor Apraxia. Identifiers: Orphanet 64753, MedGen C1853761, MONDO:0018996, OMIM 606002.
Amyotrophic lateral sclerosis type 4 (ALS4). Also called: NEURONOPATHY, DISTAL HEREDITARY MOTOR, WITH PYRAMIDAL FEATURES; AMYOTROPHIC LATERAL SCLEROSIS 4, JUVENILE. Identifiers: Orphanet 357043, MedGen C1865409, MONDO:0011223, OMIM 602433.

Submission:

Labcorp Genetics (formerly Invitae), Labcorp
Classification: Pathogenic for Amyotrophic lateral sclerosis type 4; Spinocerebellar ataxia, autosomal recessive, with axonal neuropathy 2. Last evaluated: 2025-07-25. Review status: criteria provided, single submitter. Criteria: Invitae Variant Classification Sherloc (09022015). Collection method: clinical testing. Allele origin: germline.
Comment: This sequence change creates a premature translational stop signal (p.Phe1071Serfs*3) in the SETX gene. It is expected to result in an absent or disrupted protein product. Loss-of-function variants in SETX are known to be pathogenic (PMID: 14770181). This variant is not present in population databases (gnomAD no frequency). This variant has not been reported in the literature in individuals affected with SETX-related conditions. ClinVar contains an entry for this variant (Variation ID: 3751911). For these reasons, this variant has been classified as Pathogenic.

Literature cited by the submitters: PubMed 14770181.

NM_015046.7(SETX):c.3212_3213del (p.Phe1071fs)

Gene: SETX (senataxin; minus strand). Cytogenetic location: 9q34.13.
Variant type: Deletion.
Coding change: c.3212_3213del on transcript NM_015046.7 (MANE Select); coding-DNA positions 3212 to 3213, 2 bases deleted (TT; older notation c.3212_3213delTT).
Protein change: p.Phe1071fs; shifts the reading frame from phenylalanine 1071.
Molecular consequence: frameshift variant.
Genome position (GRCh38, 1-based): chr9:132,328,385-132,328,386, AA deleted on the plus strand (TT on the coding strand, the reverse complement: SETX is on the minus strand); deleting any 2 consecutive bases within chr9:132,328,385-132,328,389 gives the same sequence; the c. name uses the placement nearest the transcript's 3' end. VCF-style (leftmost placement, unchanged base first): chr9-132328384-GAA-G. GRCh37 (hg19) VCF-style: chr9-135203771-GAA-G.
Other names: c.3212_3213del, p.Phe1071fs (NM_001351527.2, NM_001351528.2); short protein forms F1071fs.
Identifiers: ClinVar variation 3751911 (VCV003751911.2).